The following is an entry in ClinVar:

NM_000016.6(ACADM):c.567del (p.Met190fs)

Gene: ACADM (acyl-CoA dehydrogenase medium chain; plus strand). Cytogenetic location: 1p31.1.
Variant type: Deletion.
Coding change: c.567del on transcript NM_000016.6 (MANE Select); coding-DNA position 567, one base deleted (G; older notation c.567delG).
Protein change: p.Met190fs; shifts the reading frame from methionine 190.
Molecular consequence: frameshift variant. On other transcripts: 5 prime UTR variant (1).
Genome position (GRCh38, 1-based): chr1:75,740,078, G deleted. VCF-style (leftmost placement, unchanged base first): chr1-75740077-AG-A. GRCh37 (hg19) VCF-style: chr1-76205762-AG-A.
Other names: c.579del, p.Met194fs (NM_001127328.3); c.459del, p.Met154fs (NM_001286042.2); c.666del, p.Met223fs (NM_001286043.2); c.-1del (NM_001286044.2); short protein forms M154fs, M190fs, M194fs, M223fs.
Identifiers: ClinVar variation 2679950 (VCV002679950.4), dbSNP rs1309892323, ClinGen allele CA523817186.

ClinVar aggregate classification (germline): Pathogenic/Likely pathogenic. Review status: criteria provided, multiple submitters, no conflicts (2 of 4 stars). 3 submissions from 3 submitters: Pathogenic (1); Likely pathogenic (2). Last evaluated 2025-08-16.

Conditions:
Medium-chain acyl-coenzyme A dehydrogenase deficiency (ACADMD). Also called: MCADH DEFICIENCY; MCADD; ACADM DEFICIENCY; CARNITINE DEFICIENCY SECONDARY TO MEDIUM-CHAIN ACYL-CoA DEHYDROGENASE DEFICIENCY; MCAD Deficiency; Medium chain acyl-CoA dehydrogenase deficiency. Identifiers: Orphanet 42, MedGen C0220710, MONDO:0008721, OMIM 201450.

Allele frequency attached by ClinVar (database versions not stated): gnomAD exomes below 0.00001.

Submissions (3):

Labcorp Genetics (formerly Invitae), Labcorp
Classification: Pathogenic for Medium-chain acyl-coenzyme A dehydrogenase deficiency. Last evaluated: 2025-08-16. Review status: criteria provided, single submitter. Criteria: Invitae Variant Classification Sherloc (09022015). Collection method: clinical testing. Allele origin: germline.
Comment: This sequence change creates a premature translational stop signal (p.Met190Cysfs*3) in the ACADM gene. It is expected to result in an absent or disrupted protein product. Loss-of-function variants in ACADM are known to be pathogenic (PMID: 16121256, 20434380). This variant is present in population databases (no rsID available, gnomAD 0.01%). This premature translational stop signal has been observed in individual(s) with clinical features of medium-chain acyl-coenzyme A dehydrogenase deficiency (PMID: 20036593). ClinVar contains an entry for this variant (Variation ID: 2679950). For these reasons, this variant has been classified as Pathogenic.

Fulgent Genetics
Classification: Likely pathogenic for Medium-chain acyl-coenzyme A dehydrogenase deficiency. Last evaluated: 2024-04-22. Review status: criteria provided, single submitter. Criteria: ACMG Guidelines, 2015. Collection method: clinical testing. Allele origin: germline.

Baylor Genetics
Classification: Likely pathogenic for Medium-chain acyl-coenzyme A dehydrogenase deficiency. Last evaluated: 2024-03-17. Review status: criteria provided, single submitter. Criteria: ACMG Guidelines, 2015. Collection method: clinical testing. Allele origin: unknown.

Literature cited by the submitters: PubMed 16121256 (cited by Labcorp Genetics (formerly Invitae), Labcorp); PubMed 20434380 (cited by Labcorp Genetics (formerly Invitae), Labcorp); PubMed 20036593 (cited by Labcorp Genetics (formerly Invitae), Labcorp).